The following is an entry in ClinVar:

NM_000059.4(BRCA2):c.10064G>A (p.Gly3355Asp)

Gene: BRCA2 (BRCA2 DNA repair associated; plus strand). Cytogenetic location: 13q13.1.
Variant type: single nucleotide variant.
Coding change: c.10064G>A on transcript NM_000059.4 (MANE Select); coding-DNA position 10064, G replaced by A.
Protein change: p.Gly3355Asp; replaces glycine 3355 with aspartic acid.
Molecular consequence: missense variant.
Genome position (GRCh38, 1-based): chr13:32,398,577, G>A. VCF-style: chr13-32398577-G-A. GRCh37 (hg19) VCF-style: chr13-32972714-G-A.
Other names: short protein forms G3355D.
Identifiers: ClinVar variation 462217 (VCV000462217.9), dbSNP rs1555290031, ClinGen allele CA387767877.

ClinVar aggregate classification (germline): Uncertain significance (1 of 4 stars; one submission).

Conditions:
Hereditary breast ovarian cancer syndrome. Also called: Hereditary breast and ovarian cancer syndrome (HBOC); Hereditary breast and ovarian cancer syndrome; Breast and ovarian cancer; Hereditary breast and/or ovarian cancer syndrome; Hereditary breast and ovarian cancer; BRCA1- and BRCA2-Associated Hereditary Breast and Ovarian Cancer. Identifiers: Orphanet 145, MedGen C0677776, MeSH D061325, MONDO:0003582. Disease mechanism: loss of function.

Submission:

Labcorp Genetics (formerly Invitae), Labcorp
Classification: Uncertain significance for Hereditary breast ovarian cancer syndrome. Last evaluated: 2022-12-02. Review status: criteria provided, single submitter. Criteria: Invitae Variant Classification Sherloc (09022015). Collection method: clinical testing. Allele origin: germline.
Comment: In summary, the available evidence is currently insufficient to determine the role of this variant in disease. Therefore, it has been classified as a Variant of Uncertain Significance. Advanced modeling of protein sequence and biophysical properties (such as structural, functional, and spatial information, amino acid conservation, physicochemical variation, residue mobility, and thermodynamic stability) performed at Invitae indicates that this missense variant is not expected to disrupt BRCA2 protein function. ClinVar contains an entry for this variant (Variation ID: 462217). This variant has not been reported in the literature in individuals affected with BRCA2-related conditions. This variant is not present in population databases (gnomAD no frequency). This sequence change replaces glycine, which is neutral and non-polar, with aspartic acid, which is acidic and polar, at codon 3355 of the BRCA2 protein (p.Gly3355Asp).